The following is an entry in ClinVar:

NM_000400.4(ERCC2):c.1666-4C>T

Gene: ERCC2 (ERCC excision repair 2, TFIIH core complex helicase subunit; minus strand). Cytogenetic location: 19q13.32.
Variant type: single nucleotide variant.
Coding change: c.1666-4C>T on transcript NM_000400.4 (MANE Select); 4 bases into the intron before coding-DNA position 1666, C replaced by T.
Molecular consequence: intron variant.
Genome position (GRCh38, 1-based): chr19:45,353,338, G>A on the plus strand (C>T on the coding strand, the complement: ERCC2 is on the minus strand). VCF-style: chr19-45353338-G-A. GRCh37 (hg19) VCF-style: chr19-45856596-G-A.
Identifiers: ClinVar variation 1692429 (VCV001692429.6), dbSNP rs761821592, ClinGen allele CA9513145.

ClinVar aggregate classification (germline): Conflicting classifications of pathogenicity. Review status: criteria provided, conflicting classifications (1 of 4 stars). 2 submissions from 2 submitters: Uncertain significance (1); Likely benign (1). Last evaluated 2023-03-17.

Conditions:
Xeroderma pigmentosum (XP). Identifiers: Orphanet 910, MedGen C0043346, MONDO:0019600.

Allele frequency attached by ClinVar (database versions not stated): gnomAD exomes below 0.00001 and 0.00001; TOPMed below 0.00001; ExAC 0.00001; gnomAD 0.00001.
gnomAD v4.1: 11 of 1,612,382 alleles (0.00068%); highest among the groups gnomAD compares: Non-Finnish European, 0.00085%; no homozygotes.

Submissions (2):

Labcorp Genetics (formerly Invitae), Labcorp
Classification: Likely benign. Last evaluated: 2023-03-17. Review status: criteria provided, single submitter. Criteria: Invitae Variant Classification Sherloc (09022015). Collection method: clinical testing. Allele origin: germline.

Sema4
Classification: Uncertain significance for Xeroderma pigmentosum. Last evaluated: 2021-04-27. Review status: criteria provided, single submitter. Criteria: Sema4 Curation Guidelines. Collection method: curation. Allele origin: germline.
Comment: The ERCC2 c.1666-4C>T variant has not been reported in the literature to our knowledge. It was observed in 2/127686 chromosomes of the Non-Finnish European subpopulation in the large and broad cohorts of the Genome Aggregation Database (PMID: 32461654). The variant has not been reported in ClinVar. In silico tools suggest the variant not to have an impact on splicing, though these predictions have not been confirmed by functional studies. The evidence is insufficient to meet ACMG/AMP criteria for classifying the variant as benign or pathogenic. Thus, the clinical significance of this variant is currently uncertain.